The following is an entry in ClinVar:

NM_030954.4(RNF170):c.463G>A (p.Asp155Asn)

Gene: RNF170 (ring finger protein 170; minus strand). Cytogenetic location: 8p11.21.
Variant type: single nucleotide variant.
Coding change: c.463G>A on transcript NM_030954.4 (MANE Select); coding-DNA position 463, G replaced by A.
Protein change: p.Asp155Asn; replaces aspartic acid 155 with asparagine.
Molecular consequence: missense variant. On other transcripts: non-coding transcript variant (2), intron variant (1).
Genome position (GRCh38, 1-based): chr8:42,861,789, C>T on the plus strand (G>A on the coding strand, the complement: RNF170 is on the minus strand). VCF-style: chr8-42861789-C-T. GRCh37 (hg19) VCF-style: chr8-42716932-C-T.
Other names: c.463G>A, p.Asp155Asn (NM_001160223.2); c.211G>A, p.Asp71Asn (NM_001160225.2); c.396+3627G>A (NM_001160224.2); short protein forms D155N, D71N.
Identifiers: ClinVar variation 4822942 (VCV004822942.4).

ClinVar aggregate classification (germline): Uncertain significance (1 of 4 stars; one submission).

Submission:

CeGaT Center for Human Genetics Tuebingen
Classification: Uncertain significance. Last evaluated: 2026-01-01. Review status: criteria provided, single submitter. Criteria: CeGaT Center For Human Genetics Tuebingen Variant Classification Criteria Version 2. Collection method: clinical testing. Allele origin: germline. Affected: yes. Observed: 1 variant allele.
Comment: RNF170: PM2